The following is an entry in ClinVar:

NM_024675.4(PALB2):c.2544T>C (p.Asp848=)

Gene: PALB2 (partner and localizer of BRCA2; minus strand). Cytogenetic location: 16p12.2.
Variant type: single nucleotide variant.
Coding change: c.2544T>C on transcript NM_024675.4 (MANE Select); coding-DNA position 2544, T replaced by C.
Protein change: p.Asp848=; no amino-acid change (aspartic acid 848 retained).
Molecular consequence: synonymous variant.
Genome position (GRCh38, 1-based): chr16:23,629,246, A>G on the plus strand (T>C on the coding strand, the complement: PALB2 is on the minus strand). VCF-style: chr16-23629246-A-G. GRCh37 (hg19) VCF-style: chr16-23640567-A-G.
Identifiers: ClinVar variation 530230 (VCV000530230.42), dbSNP rs753978124, ClinGen allele CA7963542.

ClinVar aggregate classification (germline): Likely benign. Review status: criteria provided, multiple submitters, no conflicts (2 of 4 stars). 4 submissions from 4 submitters: Likely benign (4). Last evaluated 2026-02-02.

Conditions:
Hereditary cancer-predisposing syndrome. Also called: Neoplastic Syndromes, Hereditary; Hereditary Cancer Syndrome; Tumor predisposition; Hereditary neoplastic syndrome. Identifiers: Orphanet 140162, MedGen C0027672, MeSH D009386, MONDO:0015356.
Familial cancer of breast. Also called: Hereditary breast cancer; BREAST CANCER, FAMILIAL; hereditary breast carcinoma. Identifiers: Orphanet 227535, MedGen C0346153, MONDO:0016419, OMIM 114480. Disease mechanism: loss of function.

Allele frequency attached by ClinVar (database versions not stated): gnomAD exomes below 0.00001; ExAC 0.00001.
gnomAD v4.1: 2 of 1,613,750 alleles (0.00012%); highest among the groups gnomAD compares: African/African-American, 0.0013%; no homozygotes.

Submissions (4):

Labcorp Genetics (formerly Invitae), Labcorp
Classification: Likely benign for Familial cancer of breast. Last evaluated: 2026-02-02. Review status: criteria provided, single submitter. Criteria: Invitae Variant Classification Sherloc (09022015). Collection method: clinical testing. Allele origin: germline.

CeGaT Center for Human Genetics Tuebingen
Classification: Likely benign. Last evaluated: 2022-10-01. Review status: criteria provided, single submitter. Criteria: CeGaT Center For Human Genetics Tuebingen Variant Classification Criteria Version 2. Collection method: clinical testing. Allele origin: germline. Affected: yes. Observed: 1 variant allele.
Comment: PALB2: BP4, BP7

Color Diagnostics, LLC DBA Color Health
Classification: Likely benign for Hereditary cancer-predisposing syndrome. Last evaluated: 2018-10-17. Review status: criteria provided, single submitter. Criteria: ACMG Guidelines, 2015. Collection method: clinical testing. Allele origin: germline.

Ambry Genetics
Classification: Likely benign for Hereditary cancer-predisposing syndrome. Last evaluated: 2018-04-16. Review status: criteria provided, single submitter. Criteria: Ambry Variant Classification Scheme 2023. Collection method: clinical testing. Allele origin: germline.